The following is an entry in ClinVar:

ClinVar aggregate classification (germline): Uncertain significance (1 of 4 stars; one submission).

Conditions:
Primary ciliary dyskinesia. Also called: Ciliary dyskinesia. Identifiers: Orphanet 244, MedGen C0008780, MONDO:0016575, HP:0012265.

Allele frequency attached by ClinVar (database versions not stated): gnomAD 0.00003; TOPMed 0.00003; ExAC 0.00004; gnomAD exomes 0.00004.
gnomAD v4.1: 63 of 1,607,464 alleles (0.0039%); highest among the groups gnomAD compares: Middle Eastern, 0.05%; no homozygotes.

Submission:

Labcorp Genetics (formerly Invitae), Labcorp
Classification: Uncertain significance for Primary ciliary dyskinesia. Last evaluated: 2021-10-27. Review status: criteria provided, single submitter. Criteria: Invitae Variant Classification Sherloc (09022015). Collection method: clinical testing. Allele origin: germline.
Comment: This sequence change falls in intron 5 of the CCDC39 gene. It does not directly change the encoded amino acid sequence of the CCDC39 protein. It affects a nucleotide within the consensus splice site. This variant is present in population databases (rs761548484, gnomAD 0.009%). This variant has not been reported in the literature in individuals affected with CCDC39-related conditions. Variants that disrupt the consensus splice site are a relatively common cause of aberrant splicing (PMID: 17576681, 9536098). Algorithms developed to predict the effect of sequence changes on RNA splicing suggest that this variant is not likely to affect RNA splicing. In summary, the available evidence is currently insufficient to determine the role of this variant in disease. Therefore, it has been classified as a Variant of Uncertain Significance.

Literature cited by the submitters: PubMed 17576681; PubMed 9536098.

NM_181426.2(CCDC39):c.609+3T>C

Gene: CCDC39 (coiled-coil domain 39 molecular ruler complex subunit; minus strand). Cytogenetic location: 3q26.33.
Variant type: single nucleotide variant.
Coding change: c.609+3T>C on transcript NM_181426.2 (MANE Select); 3 bases into the intron after coding-DNA position 609, T replaced by C.
Molecular consequence: intron variant.
Genome position (GRCh38, 1-based): chr3:180,659,674, A>G on the plus strand (T>C on the coding strand, the complement: CCDC39 is on the minus strand). VCF-style: chr3-180659674-A-G. GRCh37 (hg19) VCF-style: chr3-180377462-A-G.
Identifiers: ClinVar variation 1408393 (VCV001408393.3), dbSNP rs761548484, ClinGen allele CA2716131.